The following is an entry in ClinVar:

NC_000022.11:g.(?_28687743)_(28687986_?)del

Gene: CHEK2 (checkpoint kinase 2; minus strand). Cytogenetic location: 22q12.1.
Variant type: Deletion.
Identifiers: ClinVar variation 417606 (VCV000417606.2).

ClinVar aggregate classification (germline): Likely pathogenic (1 of 4 stars; one submission).

Conditions:
Familial cancer of breast. Also called: Hereditary breast cancer; BREAST CANCER, FAMILIAL; hereditary breast carcinoma. Identifiers: Orphanet 227535, MedGen C0346153, MONDO:0016419, OMIM 114480. Disease mechanism: loss of function.

Submission:

Labcorp Genetics (formerly Invitae), Labcorp
Classification: Likely pathogenic for Familial cancer of breast. Last evaluated: 2016-11-10. Review status: criteria provided, single submitter. Criteria: Invitae Variant Classification Sherloc (09022015). Collection method: clinical testing. Allele origin: germline.
Comment: This variant is a gross deletion of the genomic region encompassing exon 15 of the CHEK2 gene. The 5' boundary is likely confined to intron 14. The 3' end of this event is unknown as it extends through the termination codon beyond the assayed region for this gene and may encompass additional genes. While this deletion is not anticipated to result in nonsense mediated decay, it is expected to create a truncated CHEK2 protein. A gross deletion of exon 15 has not been reported in the literature in individuals with a CHEK2-related disease. This deletion removes amino acids 515-543 of the CHEK2 protein. Experimental studies have shown that amino acids 515-522 contain a nuclear localization signal, and that CHEK2 without these residues localizes to the cytoplasm instead of the nucleus. In addition, phosphorylation of the serine residue at codon 516 is required for normal CHEK2 function (PMID: 12909615, 12855706, 18004398). In summary, this variant is a novel exon deletion that removes a portion of the CHEK2 protein that is required for its function. This evidence indicates that the variant is pathogenic, but additional data is needed to prove that conclusively. Therefore, this variant has been classified as Likely Pathogenic.